The following is an entry in ClinVar:

ClinVar aggregate classification (germline): Pathogenic (0 of 4 stars; one submission).

Conditions:
Familial hypercholesterolemia. Also called: Familial hypercholesterolaemia. Identifiers: MedGen C0020445, MONDO:0005439.

Submission:

Research Laboratories, P. D. Hinduja Hospital & MRC
Classification: Pathogenic for Familial hypercholesterolemia. Last evaluated: 2022-12-16. Review status: no assertion criteria provided. Collection method: case-control. Allele origin: germline. Affected: yes. Observed: 1 variant allele, 1 heterozygote.
Comment: This variant was identified as part of the ICMR-funded project (Ref No. 2020-3881). An in-frame deletion in CYP3A4 (NM_001202855.3), exon 10: c.1095_1097delATT, resulting in the deletion of isoleucine at codon 365 (p.I365del). To our knowledge, functional studies specific to this variant have not been reported. This variant has not been described in individuals with Familial Hypercholesterolemia (FH) in the literature; however, the CYP3A4 gene is associated with lipid metabolism according to the LIPID MAPS Proteome Database (LMPD). Computational predictions using MutationTaster and PolyPhen-2 suggest that this variant is likely deleterious and possibly damaging to protein function (GRCh38)."

NM_017460.6(CYP3A4):c.1095ATT[1] (p.Leu366del)

Gene: CYP3A4 (cytochrome P450 family 3 subfamily A member 4; minus strand). Cytogenetic location: 7q22.1.
Variant type: Microsatellite.
Coding change: c.1095ATT[1] on transcript NM_017460.6 (MANE Select); one copy of the 3-base unit ATT starting at c.1095; the reference has two copies in a row; one copy, 3 bases deleted.
Protein change: p.Leu366del; deletes leucine 366.
Genome position (GRCh38, 1-based): chr7:99,762,194-99,762,196, AAT deleted on the plus strand (ATT on the coding strand, the reverse complement: CYP3A4 is on the minus strand); deleting any 3 consecutive bases within chr7:99,762,194-99,762,199 gives the same sequence; the position shown is the placement nearest the transcript's 3' end. VCF-style (leftmost placement, unchanged base first): chr7-99762193-GAAT-G. GRCh37 (hg19) VCF-style: chr7-99359816-GAAT-G.
Other names: c.1095_1097delATT (NM_001202855.3); c.1092ATT[1], p.Leu365del (NM_001202855.3); short protein forms L365del, L366del.
Identifiers: ClinVar variation 4082122 (VCV004082122.1).
Genomic context (GRCh38, chr7:99,762,193, plus strand): 5'-GAACATCCCATTGATCTCAACATCTTTTTTGCAGACCCTCTCAAGTCTCATAGCAATTGG[GAAT>G]AATCTGAGCGTTTCATTCACCACCATGTCAAGATACTCCATCTGTAGCACAGTATCATAG-3'